The following is an entry in ClinVar:

NM_015335.5(MED13L):c.1658C>A (p.Ser553Tyr)

Gene: MED13L (mediator complex subunit 13L; minus strand). Cytogenetic location: 12q24.21.
Variant type: single nucleotide variant.
Coding change: c.1658C>A on transcript NM_015335.5 (MANE Select); coding-DNA position 1658, C replaced by A.
Protein change: p.Ser553Tyr; replaces serine 553 with tyrosine.
Molecular consequence: missense variant.
Genome position (GRCh38, 1-based): chr12:116,008,755, G>T on the plus strand (C>A on the coding strand, the complement: MED13L is on the minus strand). VCF-style: chr12-116008755-G-T. GRCh37 (hg19) VCF-style: chr12-116446560-G-T.
Other names: short protein forms S553Y.
Identifiers: ClinVar variation 2858688 (VCV002858688.3), dbSNP rs2499912508, ClinGen allele CA386895837.

ClinVar aggregate classification (germline): Uncertain significance (1 of 4 stars; one submission).

Conditions:
Dextro-looped transposition of the great arteries. Also called: Dextrotransposition of the great arteries. Identifiers: Orphanet 860, MedGen C3531771, MONDO:0019443, OMIM 608808, HP:0031348.

Submission:

Labcorp Genetics (formerly Invitae), Labcorp
Classification: Uncertain significance for Dextro-looped transposition of the great arteries. Last evaluated: 2023-04-23. Review status: criteria provided, single submitter. Criteria: Invitae Variant Classification Sherloc (09022015). Collection method: clinical testing. Allele origin: germline.
Comment: In summary, the available evidence is currently insufficient to determine the role of this variant in disease. Therefore, it has been classified as a Variant of Uncertain Significance. Advanced modeling of protein sequence and biophysical properties (such as structural, functional, and spatial information, amino acid conservation, physicochemical variation, residue mobility, and thermodynamic stability) performed at Invitae indicates that this missense variant is expected to disrupt MED13L protein function. This sequence change replaces serine, which is neutral and polar, with tyrosine, which is neutral and polar, at codon 553 of the MED13L protein (p.Ser553Tyr). This variant is not present in population databases (gnomAD no frequency). This variant has not been reported in the literature in individuals affected with MED13L-related conditions.